The following is an entry in ClinVar:

NM_006231.4(POLE):c.1938G>A (p.Val646=)

Gene: POLE (DNA polymerase epsilon, catalytic subunit; minus strand). Cytogenetic location: 12q24.33.
Variant type: single nucleotide variant.
Coding change: c.1938G>A on transcript NM_006231.4 (MANE Select); coding-DNA position 1938, G replaced by A.
Protein change: p.Val646=; no amino-acid change (valine 646 retained).
Molecular consequence: synonymous variant.
Genome position (GRCh38, 1-based): chr12:132,668,723, C>T on the plus strand (G>A on the coding strand, the complement: POLE is on the minus strand). VCF-style: chr12-132668723-C-T. GRCh37 (hg19) VCF-style: chr12-133245309-C-T.
Other names: c.1938G>A (NM_006231.3).
Identifiers: ClinVar variation 1438221 (VCV001438221.7), dbSNP rs2135978358, ClinGen allele CA482849492.

ClinVar aggregate classification (germline): Uncertain significance. Review status: criteria provided, single submitter (1 of 4 stars). 2 submissions from 2 submitters: Uncertain significance (1). 1 of the submissions does not count toward it. Last evaluated 2021-11-23.

Conditions:
POLE-related disorder. Also called: POLE-related condition; POLE-related disorders.

Allele frequency attached by ClinVar (database versions not stated): gnomAD exomes below 0.00001.
gnomAD v4.1: 1 of 1,614,024 alleles (0.000062%); highest among the groups gnomAD compares: Non-Finnish European, 0.000085%; no homozygotes.

Submissions (2):

Labcorp Genetics (formerly Invitae), Labcorp
Classification: Uncertain significance. Last evaluated: 2021-11-23. Review status: criteria provided, single submitter. Criteria: Invitae Variant Classification Sherloc (09022015). Collection method: clinical testing. Allele origin: germline.
Comment: This variant is not present in population databases (gnomAD no frequency). This sequence change affects codon 646 of the POLE mRNA. It is a 'silent' change, meaning that it does not change the encoded amino acid sequence of the POLE protein. This variant has not been reported in the literature in individuals affected with POLE-related conditions. Algorithms developed to predict the effect of sequence changes on RNA splicing suggest that this variant may create or strengthen a splice site. In summary, the available evidence is currently insufficient to determine the role of this variant in disease. Therefore, it has been classified as a Variant of Uncertain Significance.

PreventionGenetics, part of Exact Sciences
Classification: Uncertain significance for POLE-related condition. Last evaluated: 2024-08-30. Review status: no assertion criteria provided. Collection method: clinical testing. Allele origin: germline. Not counted in ClinVar's aggregate classification.
Comment: The POLE c.1938G>A variant is not predicted to result in an amino acid change (p.=). This variant is predicted to alter splicing based on available splicing prediction programs (SpliceAI, Jaganathan et al. 2019. PubMed ID: 30661751). To our knowledge, this variant has not been reported in the literature or in gnomAD, indicating this variant is rare. This variant is classified as a variant of uncertain significance in ClinVar. At this time, the clinical significance of this variant is uncertain due to the absence of conclusive functional and genetic evidence.